The following is an entry in ClinVar:

ClinVar aggregate classification (germline): Likely benign (1 of 4 stars; one submission).

Conditions:
BEST1-related disorder. Also called: BEST1-related condition; BEST1-related disorders. Identifiers: MedGen CN239200.

gnomAD v4.1: 7 of 152,820 alleles (0.0046%); highest among the groups gnomAD compares: African/African-American, 0.017%; no homozygotes.

Submission:

PreventionGenetics, part of Exact Sciences
Classification: Likely benign for BEST1-related condition. Last evaluated: 2025-10-07. Review status: criteria provided, single submitter. Criteria: ACMG Guidelines, 2015. Collection method: clinical testing. Allele origin: germline.
Comment: This variant is classified as likely benign based on ACMG/AMP sequence variant interpretation guidelines (Richards et al. 2015 PMID: 25741868, with internal and published modifications).

NM_004183.4(BEST1):c.-38C>G

Gene: BEST1 (bestrophin 1; plus strand). Cytogenetic location: 11q12.3.
Variant type: single nucleotide variant.
Coding change: c.-38C>G on transcript NM_004183.4 (MANE Select); 38 bases upstream of the start codon, C replaced by G.
Molecular consequence: 5 prime UTR variant. On other transcripts: non-coding transcript variant (1).
Genome position (GRCh38, 1-based): chr11:61,950,426, C>G. VCF-style: chr11-61950426-C-G. GRCh37 (hg19) VCF-style: chr11-61717898-C-G.
Other names: c.-30C>G (NM_001139443.3, NM_001300786.2, NM_001300787.2 and 3 more transcripts); c.-38C>G (NM_001363592.2, NM_001440571.1, NM_001440572.1 and 1 more transcripts).
Identifiers: ClinVar variation 4981817 (VCV004981817.1).